The following is an entry in ClinVar:

ClinVar aggregate classification (germline): Uncertain significance (1 of 4 stars; one submission).

Submission:

Women's Health and Genetics/Laboratory Corporation of America, LabCorp
Classification: Uncertain significance. Last evaluated: 2023-08-25. Review status: criteria provided, single submitter. Criteria: LabCorp Variant Classification Summary - May 2015. Collection method: clinical testing. Allele origin: germline.
Comment: Variant summary: TET3 c.5335G>C (p.Val1779Leu) results in a conservative amino acid change in the encoded protein sequence. Three of four in-silico tools predict a benign effect of the variant on protein function. The variant was absent in 127082 control chromosomes. The available data on variant occurrences in the general population are insufficient to allow any conclusion about variant significance. To our knowledge, no occurrence of c.5335G>C in individuals affected with Beck-Fahrner Syndrome and no experimental evidence demonstrating its impact on protein function have been reported. No submitters have cited clinical-significance assessments for this variant to ClinVar after 2014. Based on the evidence outlined above, the variant was classified as uncertain significance.

NM_001287491.2(TET3):c.5335G>C (p.Val1779Leu)

Gene: TET3 (tet methylcytosine dioxygenase 3; plus strand). Cytogenetic location: 2p13.1.
Variant type: single nucleotide variant.
Coding change: c.5335G>C on transcript NM_001287491.2 (MANE Select); coding-DNA position 5335, G replaced by C.
Protein change: p.Val1779Leu; replaces valine 1779 with leucine.
Molecular consequence: missense variant.
Genome position (GRCh38, 1-based): chr2:74,102,123, G>C. VCF-style: chr2-74102123-G-C. GRCh37 (hg19) VCF-style: chr2-74329250-G-C.
Other names: c.5056G>C, p.Val1686Leu (NM_001366022.1); c.4930G>C, p.Val1644Leu (NM_144993.1); short protein forms V1644L, V1686L, V1779L.
Identifiers: ClinVar variation 2581372 (VCV002581372.1), dbSNP rs746737026, ClinGen allele CA347324918.